The following is an entry in ClinVar:

ClinVar aggregate classification (germline): Benign/Likely benign. Review status: criteria provided, multiple submitters, no conflicts (2 of 4 stars). 23 submissions from 16 submitters: Benign (20); Likely benign (1). 2 of the submissions do not count toward it. Last evaluated 2026-02-04.

Conditions:
Cardiovascular phenotype. Identifiers: MedGen CN230736.
Dilated cardiomyopathy 1G (CMD1G). Identifiers: Orphanet 154, MedGen C1858763, MONDO:0011400, OMIM 604145.
Autosomal recessive limb-girdle muscular dystrophy type 2J (LGMDR10). Also called: Limb-girdle muscular dystrophy, type 2J; MUSCULAR DYSTROPHY, LIMB-GIRDLE, AUTOSOMAL RECESSIVE 10. Identifiers: Orphanet 140922, MedGen C1837342, MONDO:0012127, OMIM 608807.
Early-onset myopathy with fatal cardiomyopathy (CMYO5). Also called: CONGENITAL MYOPATHY 5 WITH CARDIOMYOPATHY; Salih Myopathy. Identifiers: Orphanet 289377, MedGen C2673677, MONDO:0012714, OMIM 611705. Disease mechanism: loss of function.
Myopathy, myofibrillar, 9, with early respiratory failure (MFM9). Also called: MYOPATHY, PROXIMAL, WITH EARLY RESPIRATORY MUSCLE INVOLVEMENT; Myopathy, distal, with early respiratory failure, autosomal dominant; Hereditary myopathy with early respiratory failure; EDSTROM MYOPATHY. Identifiers: Orphanet 178464, Orphanet 34521, MedGen C1863599, MONDO:0011362, OMIM 603689.
Tibial muscular dystrophy (TMD). Also called: Tibial muscular dystrophy, tardive; UDD MYOPATHY; Udd Distal Myopathy – Tibial Muscular Dystrophy. Identifiers: Orphanet 609, MedGen C1838244, MONDO:0010870, OMIM 600334.

Allele frequency attached by ClinVar (database versions not stated): ESP Exome Variant Server 0.15458; gnomAD 0.16202 and 0.16593; gnomAD exomes 0.16307 and 0.17750; TOPMed 0.17596; ExAC 0.17836; 1000 Genomes Project 30x 0.24172; 1000 Genomes Project 0.24381.

Submissions (23):

Labcorp Genetics (formerly Invitae), Labcorp
Classification: Benign for Dilated cardiomyopathy 1G; Autosomal recessive limb-girdle muscular dystrophy type 2J. Last evaluated: 2026-02-04. Review status: criteria provided, single submitter. Criteria: Invitae Variant Classification Sherloc (09022015). Collection method: clinical testing. Allele origin: germline.

Molecular Diagnostic Laboratory for Inherited Cardiovascular Disease, Montreal Heart Institute
Classification: Benign. Last evaluated: 2025-04-09. Review status: criteria provided, single submitter. Criteria: ACMG Guidelines, 2015. Collection method: clinical testing. Allele origin: germline. Affected: no.

Women's Health and Genetics/Laboratory Corporation of America, LabCorp
Classification: Benign. Last evaluated: 2023-08-23. Review status: criteria provided, single submitter. Criteria: LabCorp Variant Classification Summary - May 2015. Collection method: clinical testing. Allele origin: germline.
Comment: Variant summary: TTN c.21542G>A (p.Ser7181Asn) results in a conservative amino acid change located in the I-band (with 4% PSI) of the encoded protein sequence. Three of three in-silico tools predict a benign effect of the variant on protein function. The variant allele was found at a frequency of 0.18 in 247098 control chromosomes, predominantly at a frequency of 0.43 within the East Asian subpopulation in the gnomAD database, including 1620 homozygotes. The observed variant frequency within East Asian control individuals in the gnomAD database is approximately 700 fold of the estimated maximal expected allele frequency for a pathogenic variant in TTN causing Cardiomyopathy phenotype (0.00063), strongly suggesting that the variant is a benign polymorphism found primarily in populations of East Asian origin. To our knowledge, no occurrence of c.21542G>A in individuals affected with Cardiomyopathy and no experimental evidence demonstrating its impact on protein function have been reported. Four submitters have cited clinical-significance assessments for this variant to ClinVar after 2014. All submitters classified the variant as benign. Based on the evidence outlined above, the variant was classified as benign.

Genome-Nilou Lab
Classification: Benign for Autosomal recessive limb-girdle muscular dystrophy type 2J. Last evaluated: 2021-09-10. Review status: criteria provided, single submitter. Criteria: ACMG Guidelines, 2015. Collection method: clinical testing. Allele origin: germline. Affected: no.

Genome-Nilou Lab
Classification: Benign for Myopathy, myofibrillar, 9, with early respiratory failure. Last evaluated: 2021-09-10. Review status: criteria provided, single submitter. Criteria: ACMG Guidelines, 2015. Collection method: clinical testing. Allele origin: germline. Affected: no.

Genome-Nilou Lab
Classification: Benign for Early-onset myopathy with fatal cardiomyopathy. Last evaluated: 2021-09-10. Review status: criteria provided, single submitter. Criteria: ACMG Guidelines, 2015. Collection method: clinical testing. Allele origin: germline. Affected: no.

Genome-Nilou Lab
Classification: Benign for Tibial muscular dystrophy. Last evaluated: 2021-09-10. Review status: criteria provided, single submitter. Criteria: ACMG Guidelines, 2015. Collection method: clinical testing. Allele origin: germline. Affected: no.

Athena Diagnostics
Classification: Benign. Last evaluated: 2018-09-21. Review status: criteria provided, single submitter. Criteria: Athena Diagnostics Criteria. Collection method: clinical testing. Allele origin: germline.

Illumina Laboratory Services, Illumina
Classification: Benign for Autosomal recessive limb-girdle muscular dystrophy type 2J. Last evaluated: 2018-01-12. Review status: criteria provided, single submitter. Criteria: ICSL Variant Classification Criteria 13 December 2019. Collection method: clinical testing. Allele origin: germline.
Comment: This variant was observed in the ICSL laboratory as part of a predisposition screen in an ostensibly healthy population. It had not been previously curated by ICSL or reported in the Human Gene Mutation Database (HGMD: prior to June 1st, 2018), and was therefore a candidate for classification through an automated scoring system. Utilizing variant allele frequency, disease prevalence and penetrance estimates, and inheritance mode, an automated score was calculated to assess if this variant is too frequent to cause the disease. Based on the score and internal cut-off values, a variant classified as benign is not then subjected to further curation. The score for this variant resulted in a classification of benign for this disease.

Illumina Laboratory Services, Illumina
Classification: Benign for Early-onset myopathy with fatal cardiomyopathy. Last evaluated: 2018-01-12. Review status: criteria provided, single submitter. Criteria: ICSL Variant Classification Criteria 13 December 2019. Collection method: clinical testing. Allele origin: germline.
Comment: the same text as in the submission from Illumina Laboratory Services, Illumina above.

Illumina Laboratory Services, Illumina
Classification: Benign for Dilated cardiomyopathy 1G. Last evaluated: 2018-01-12. Review status: criteria provided, single submitter. Criteria: ICSL Variant Classification Criteria 13 December 2019. Collection method: clinical testing. Allele origin: germline.
Comment: the same text as in the submission from Illumina Laboratory Services, Illumina above.

Illumina Laboratory Services, Illumina
Classification: Benign for Myopathy, myofibrillar, 9, with early respiratory failure. Last evaluated: 2018-01-12. Review status: criteria provided, single submitter. Criteria: ICSL Variant Classification Criteria 13 December 2019. Collection method: clinical testing. Allele origin: germline.
Comment: the same text as in the submission from Illumina Laboratory Services, Illumina above.

Illumina Laboratory Services, Illumina
Classification: Benign for Tibial muscular dystrophy. Last evaluated: 2018-01-12. Review status: criteria provided, single submitter. Criteria: ICSL Variant Classification Criteria 13 December 2019. Collection method: clinical testing. Allele origin: germline.
Comment: the same text as in the submission from Illumina Laboratory Services, Illumina above.

Mayo Clinic Laboratories, Mayo Clinic
Classification: Benign. Last evaluated: 2017-08-24. Review status: criteria provided, single submitter. Criteria: ACMG Guidelines, 2015. Collection method: clinical testing. Allele origin: germline. Observed: 755 variant alleles.

Genetic Services Laboratory, University of Chicago
Classification: Benign for AllHighlyPenetrant. Last evaluated: 2013-08-15. Review status: criteria provided, single submitter. Criteria: ACMG Guidelines, 2007. Collection method: clinical testing. Allele origin: germline.

Biesecker Lab/Clinical Genomics Section, National Institutes of Health
Classification: Benign. Last evaluated: 2013-06-24. Review status: criteria provided, single submitter. Criteria: Ng et al. (Circ Cardiovasc Genet. 2013). Collection method: research. Allele origin: unknown. Observed: 149 variant alleles. Study: ClinSeq.
Comment: The study set was not selected for affection status in relation to any cancer. Pathogenicity categories were based on literature curation. See Pubmed ID:23861362 for details.

Medical sequencing

Ambry Genetics
Classification: Benign for Cardiovascular phenotype. Last evaluated: 2013-01-16. Review status: criteria provided, single submitter. Criteria: Ambry Autosomal Dominant and X-Linked criteria (10/2015). Collection method: clinical testing. Allele origin: germline. Observed: 1 variant allele.

GeneDx
Classification: Benign. Last evaluated: 2012-10-31. Review status: criteria provided, single submitter. Criteria: GeneDx Variant Classification (06012015). Collection method: clinical testing. Allele origin: germline. Affected: yes.
Comment: This variant is considered likely benign or benign based on one or more of the following criteria: it is a conservative change, it occurs at a poorly conserved position in the protein, it is predicted to be benign by multiple in silico algorithms, and/or has population frequency not consistent with disease.

Laboratory for Molecular Medicine, Mass General Brigham Personalized Medicine
Classification: Benign. Last evaluated: 2012-04-19. Review status: criteria provided, single submitter. Criteria: LMM Criteria. Collection method: clinical testing. Allele origin: germline. Observed: 562 variant alleles.

Breakthrough Genomics
Classification: Likely benign. Review status: criteria provided, single submitter. Criteria: ACMG Guidelines, 2015. Collection method: not provided. Allele origin: germline. Inheritance: Autosomal recessive inheritance. Affected: yes.

PreventionGenetics, part of Exact Sciences
Classification: Benign. Review status: criteria provided, single submitter. Criteria: ACMG Guidelines, 2015. Collection method: clinical testing. Allele origin: germline.

Clinical Genetics DNA and cytogenetics Diagnostics Lab, Erasmus MC, Erasmus Medical Center
Classification: Benign. Review status: no assertion criteria provided. Collection method: clinical testing. Allele origin: germline. Affected: yes. Study: VKGL Data-share Consensus. Not counted in ClinVar's aggregate classification.

Clinical Genetics, Academic Medical Center
Classification: Benign. Review status: no assertion criteria provided. Collection method: clinical testing. Allele origin: germline. Affected: yes. Study: VKGL Data-share Consensus. Not counted in ClinVar's aggregate classification.

NM_001267550.2(TTN):c.25274G>A (p.Ser8425Asn)

Gene: TTN (titin; minus strand). Cytogenetic location: 2q31.2.
Variant type: single nucleotide variant.
Coding change: c.25274G>A on transcript NM_001267550.2 (MANE Select); coding-DNA position 25274, G replaced by A.
Protein change: p.Ser8425Asn; replaces serine 8425 with asparagine.
Molecular consequence: missense variant. On other transcripts: intron variant (3).
Genome position (GRCh38, 1-based): chr2:178,717,600, C>T on the plus strand (G>A on the coding strand, the complement: TTN is on the minus strand). VCF-style: chr2-178717600-C-T. GRCh37 (hg19) VCF-style: chr2-179582327-C-T.
Other names: p.S8108N:AGC>AAC; c.24323G>A, p.Ser8108Asn (NM_001256850.1); c.21542G>A, p.Ser7181Asn (NM_133378.4); c.13282+20482G>A (NM_003319.4); c.13858+20482G>A (NM_133437.4); c.13657+20482G>A (NM_133432.3); short protein forms S8425N, S7181N, S8108N.
Identifiers: ClinVar variation 46756 (VCV000046756.37), dbSNP rs13390491, ClinGen allele CA282934.
Genomic context (GRCh38, chr2:178,717,600, plus strand): 5'-GCACTGGATGAAGCAGTCCCAAGAGGATTAGAAGCAGAGCAATTATACTGCCCTATGTGG[C>T]TCTGGTCAGTTTGTAAAATCTGAAGAGTTGCTACATTATGAACAAAAGATGTCTGCAAAT-3'
Protein context (NP_001254479.2, residues 8415-8435): ATLQILQTDQ[Ser8425Asn]HIGQYNCSAS